The following is an entry in ClinVar:

ClinVar aggregate classification (germline): Benign/Likely benign. Review status: criteria provided, multiple submitters, no conflicts (2 of 4 stars). 5 submissions from 5 submitters: Benign (1); Likely benign (3). 1 of the submissions does not count toward it. Last evaluated 2025-12-24.

Conditions:
Southeast Asian ovalocytosis. Also called: Elliptocytosis 4; HE, STOMATOCYTIC; Stomatocytic elliptocytosis, hereditary; Ovalocytosis, Malaysian-Melanesian-Filipino type. Identifiers: Orphanet 98868, MedGen C1862322, MONDO:0008165, OMIM 166900.
Cryohydrocytosis. Also called: STOMATOCYTOSIS, COLD-SENSITIVE; Hereditary cryohydrocytosis with normal stomatin; CRYOHYDROCYTOSIS DUE TO BAND 3 HEMEL; CRYOHYDROCYTOSIS DUE TO BAND 3 HURSTPIERPOINT; CRYOHYDROCYTOSIS DUE TO BAND 3 BLACKBURN. Identifiers: Orphanet 398088, MedGen C1861453, MONDO:0008494, OMIM 185020.
Autosomal dominant distal renal tubular acidosis (DRTA1). Also called: RENAL TUBULAR ACIDOSIS, DISTAL, 1; RTA, CLASSIC TYPE; RTA, DISTAL TYPE, AUTOSOMAL DOMINANT; RTA, GRADIENT TYPE; Renal Tubular Acidosis, Type I. Identifiers: Orphanet 93608, MedGen CN280572, MONDO:0008368, OMIM 179800.
Renal tubular acidosis, distal, 4, with hemolytic anemia. Also called: Renal Tubular Acidosis, Distal, with Hemolytic Anemia. Identifiers: Orphanet 93610, MedGen C5436235, MONDO:0012700, OMIM 611590.
Malaria, susceptibility to. Identifiers: Orphanet 673, MedGen C1970028, MONDO:0021024, OMIM 611162.
Hereditary spherocytosis type 4. Also called: SLC4A1-Related Spherocytosis. Identifiers: Orphanet 822, MedGen C2675212, MONDO:0012981, OMIM 612653.
BLOOD GROUP--WRIGHT ANTIGEN (WR). Identifiers: MedGen C1862190, OMIM 112050.
BLOOD GROUP--SWANN SYSTEM (SW). Also called: SWANN BLOOD GROUP. Identifiers: MedGen C1832169, OMIM 601550.
BLOOD GROUP--DIEGO SYSTEM (DI). Identifiers: MedGen C1292286, OMIM 110500.
BLOOD GROUP, WALDNER (WD). Also called: WALDNER BLOOD GROUP ANTIGEN. Identifiers: MedGen C1862191, OMIM 112010.
BLOOD GROUP--FROESE (FR). Also called: FROESE BLOOD GROUP ANTIGEN. Identifiers: MedGen C1832168, OMIM 601551.
SLC4A1-related disorder. Also called: SLC4A1-related condition; SLC4A1-related disorders.

Allele frequency attached by ClinVar (database versions not stated): gnomAD exomes 0.00004 and 0.00014; 1000 Genomes Project 30x 0.00016; ExAC 0.00016; 1000 Genomes Project 0.00020; gnomAD 0.00059 and 0.00063; TOPMed 0.00071; ESP Exome Variant Server 0.00077.
gnomAD v4.1: 156 of 1,614,224 alleles (0.0097%); highest among the groups gnomAD compares: African/African-American, 0.2%; no homozygotes.

Submissions (5):

Labcorp Genetics (formerly Invitae), Labcorp
Classification: Benign. Last evaluated: 2025-12-24. Review status: criteria provided, single submitter. Criteria: Invitae Variant Classification Sherloc (09022015). Collection method: clinical testing. Allele origin: germline.

Mayo Clinic Laboratories, Mayo Clinic
Classification: Likely benign. Last evaluated: 2025-06-10. Review status: criteria provided, single submitter. Criteria: ACMG Guidelines, 2015. Collection method: clinical testing. Allele origin: germline. Observed: 1 variant allele.
Comment: BP4, BP7

Fulgent Genetics
Classification: Likely benign for BLOOD GROUP--DIEGO SYSTEM; BLOOD GROUP, WALDNER; BLOOD GROUP--WRIGHT ANTIGEN; Southeast Asian ovalocytosis; Autosomal dominant distal renal tubular acidosis; Cryohydrocytosis; BLOOD GROUP--SWANN SYSTEM; BLOOD GROUP--FROESE; Malaria, susceptibility to; Renal tubular acidosis, distal, 4, with hemolytic anemia; Hereditary spherocytosis type 4. Last evaluated: 2022-01-15. Review status: criteria provided, single submitter. Criteria: ACMG Guidelines, 2015. Collection method: clinical testing. Allele origin: unknown.

Blueprint Genetics
Classification: Likely benign. Last evaluated: 2021-08-30. Review status: criteria provided, single submitter. Criteria: ACMG Guidelines, 2015. Collection method: clinical testing. Allele origin: germline.

PreventionGenetics, part of Exact Sciences
Classification: Likely benign for SLC4A1-related condition. Last evaluated: 2020-01-14. Review status: no assertion criteria provided. Collection method: clinical testing. Allele origin: germline. Not counted in ClinVar's aggregate classification.
Comment: This variant is classified as likely benign based on ACMG/AMP sequence variant interpretation guidelines (Richards et al. 2015 PMID: 25741868, with internal and published modifications).

NM_000342.4(SLC4A1):c.2482-7C>T

Gene: SLC4A1 (solute carrier family 4 member 1 (Diego blood group); minus strand). Cytogenetic location: 17q21.31.
Variant type: single nucleotide variant.
Coding change: c.2482-7C>T on transcript NM_000342.4 (MANE Select); 7 bases into the intron before coding-DNA position 2482, C replaced by T.
Molecular consequence: intron variant.
Genome position (GRCh38, 1-based): chr17:44,251,339, G>A on the plus strand (C>T on the coding strand, the complement: SLC4A1 is on the minus strand). VCF-style: chr17-44251339-G-A. GRCh37 (hg19) VCF-style: chr17-42328707-G-A.
Other names: p.?.
Identifiers: ClinVar variation 760851 (VCV000760851.14), dbSNP rs371728036, ClinGen allele CA8600012.